The following is an entry in ClinVar:

NM_005245.4(FAT1):c.10153A>G (p.Ile3385Val)

Gene: FAT1 (FAT atypical cadherin 1; minus strand). Cytogenetic location: 4q35.2.
Variant type: single nucleotide variant.
Coding change: c.10153A>G on transcript NM_005245.4 (MANE Select); coding-DNA position 10153, A replaced by G.
Protein change: p.Ile3385Val; replaces isoleucine 3385 with valine.
Molecular consequence: missense variant.
Genome position (GRCh38, 1-based): chr4:186,609,236, T>C on the plus strand (A>G on the coding strand, the complement: FAT1 is on the minus strand). VCF-style: chr4-186609236-T-C. GRCh37 (hg19) VCF-style: chr4-187530390-T-C.
Other names: short protein forms I3385V.
Identifiers: ClinVar variation 1407488 (VCV001407488.5), dbSNP rs200941677, ClinGen allele CA3165463.
Genomic context (GRCh38, chr4:186,609,236, plus strand): 5'-CACTTACCGTTTCTCGGTCGAGAAGTTTGGTCACTTTGACTTCTCCCCTGACGGGGTCAA[T>C]TGTGAACGAGCTTCCTTGGTTGCCATCTATAATTGAGTAGTGGATGTGGCTGTTGGAAGG-3'
Protein context (NP_005236.2, residues 3375-3395): IDGNQGSSFT[Ile3385Val]DPVRGEVKVT

ClinVar aggregate classification (germline): Uncertain significance (1 of 4 stars; one submission).

Allele frequency attached by ClinVar (database versions not stated): ExAC 0.00003; gnomAD 0.00011; TOPMed 0.00015.
gnomAD v4.1: 99 of 1,613,936 alleles (0.0061%); highest among the groups gnomAD compares: Admixed American, 0.025%; no homozygotes.

Submission:

Labcorp Genetics (formerly Invitae), Labcorp
Classification: Uncertain significance. Last evaluated: 2023-12-18. Review status: criteria provided, single submitter. Criteria: Invitae Variant Classification Sherloc (09022015). Collection method: clinical testing. Allele origin: germline.
Comment: This sequence change replaces isoleucine, which is neutral and non-polar, with valine, which is neutral and non-polar, at codon 3385 of the FAT1 protein (p.Ile3385Val). The frequency data for this variant in the population databases is considered unreliable, as metrics indicate poor data quality at this position in the gnomAD database. This variant has not been reported in the literature in individuals affected with FAT1-related conditions. ClinVar contains an entry for this variant (Variation ID: 1407488). Advanced modeling of protein sequence and biophysical properties (such as structural, functional, and spatial information, amino acid conservation, physicochemical variation, residue mobility, and thermodynamic stability) has been performed at Invitae for this missense variant, however the output from this modeling did not meet the statistical confidence thresholds required to predict the impact of this variant on FAT1 protein function. In summary, the available evidence is currently insufficient to determine the role of this variant in disease. Therefore, it has been classified as a Variant of Uncertain Significance.